The following is an entry in ClinVar:

ClinVar aggregate classification (germline): Uncertain significance (1 of 4 stars; one submission).

Conditions:
Developmental and epileptic encephalopathy, 12 (DEE12). Identifiers: MedGen C3150988, MONDO:0013389, OMIM 613722.

Submission:

Labcorp Genetics (formerly Invitae), Labcorp
Classification: Uncertain significance for Developmental and epileptic encephalopathy, 12. Last evaluated: 2021-08-23. Review status: criteria provided, single submitter. Criteria: Invitae Variant Classification Sherloc (09022015). Collection method: clinical testing. Allele origin: germline.
Comment: This sequence change replaces methionine with isoleucine at codon 1169 of the PLCB1 protein (p.Met1169Ile). The methionine residue is moderately conserved and there is a small physicochemical difference between methionine and isoleucine. This variant is not present in population databases (ExAC no frequency). This variant has not been reported in the literature in individuals affected with PLCB1-related conditions. Algorithms developed to predict the effect of missense changes on protein structure and function (SIFT, PolyPhen-2, Align-GVGD) all suggest that this variant is likely to be tolerated. In summary, the available evidence is currently insufficient to determine the role of this variant in disease. Therefore, it has been classified as a Variant of Uncertain Significance.

NM_015192.4(PLCB1):c.3507G>A (p.Met1169Ile)

Gene: PLCB1 (phospholipase C beta 1; plus strand). Cytogenetic location: 20p12.3.
Variant type: single nucleotide variant.
Coding change: c.3507G>A on transcript NM_015192.4 (MANE Select); coding-DNA position 3507, G replaced by A.
Protein change: p.Met1169Ile; replaces methionine 1169 with isoleucine.
Molecular consequence: missense variant. On other transcripts: 3 prime UTR variant (1).
Genome position (GRCh38, 1-based): chr20:8,881,705, G>A. VCF-style: chr20-8881705-G-A. GRCh37 (hg19) VCF-style: chr20-8862352-G-A.
Other names: c.*103G>A (NM_182734.3); short protein forms M1169I.
Identifiers: ClinVar variation 1377036 (VCV001377036.6), dbSNP rs2146337606, ClinGen allele CA408263335.
Genomic context (GRCh38, chr20:8,881,705, plus strand): 5'-ATACCAAGACAAATTCAAAAGACTGCCCCTCGAGATTTTGGAATTCGTGCAGGAAGCCAT[G>A]AAAGGAAAGATCAGTGAAGACAGCAATCACGGTTCTGCCCCTCTCTCCCTGTCCTCAGAC-3'
Protein context (NP_056007.1, residues 1159-1179): LEILEFVQEA[Met1169Ile]KGKISEDSNH